The following is an entry in ClinVar:

ClinVar aggregate classification (germline): Uncertain significance (1 of 4 stars; one submission).

Conditions:
Left ventricular noncompaction 8 (LVNC8). Identifiers: Orphanet 154, Orphanet 54260, MedGen C3809288, MONDO:0014152, OMIM 615373.

Allele frequency attached by ClinVar (database versions not stated): gnomAD exomes 0.00001.
gnomAD v4.1: 7 of 1,613,454 alleles (0.00043%); highest among the groups gnomAD compares: Non-Finnish European, 0.00059%; no homozygotes.

Submission:

Labcorp Genetics (formerly Invitae), Labcorp
Classification: Uncertain significance for Left ventricular noncompaction 8. Last evaluated: 2019-10-23. Review status: criteria provided, single submitter. Criteria: Invitae Variant Classification Sherloc (09022015). Collection method: clinical testing. Allele origin: germline.
Comment: In summary, the available evidence is currently insufficient to determine the role of this variant in disease. Therefore, it has been classified as a Variant of Uncertain Significance. Algorithms developed to predict the effect of missense changes on protein structure and function (SIFT, PolyPhen-2, Align-GVGD) all suggest that this variant is likely to be disruptive, but these predictions have not been confirmed by published functional studies and their clinical significance is uncertain. This variant has not been reported in the literature in individuals with PRDM16-related conditions. This variant is not present in population databases (ExAC no frequency). This sequence change replaces aspartic acid with glutamic acid at codon 877 of the PRDM16 protein (p.Asp877Glu). The aspartic acid residue is highly conserved and there is a small physicochemical difference between aspartic acid and glutamic acid.

NM_022114.4(PRDM16):c.2631C>A (p.Asp877Glu)

Gene: PRDM16 (PR/SET domain 16; plus strand). Cytogenetic location: 1p36.32.
Variant type: single nucleotide variant.
Coding change: c.2631C>A on transcript NM_022114.4 (MANE Select); coding-DNA position 2631, C replaced by A.
Protein change: p.Asp877Glu; replaces aspartic acid 877 with glutamic acid.
Molecular consequence: missense variant.
Genome position (GRCh38, 1-based): chr1:3,414,587, C>A. VCF-style: chr1-3414587-C-A. GRCh37 (hg19) VCF-style: chr1-3331151-C-A.
Other names: c.2631C>A, p.Asp877Glu (NM_199454.3); short protein forms D877E.
Identifiers: ClinVar variation 958297 (VCV000958297.9), dbSNP rs1643748009, ClinGen allele CA338001169.